The following is an entry in ClinVar:

ClinVar aggregate classification (germline): Benign/Likely benign. Review status: criteria provided, multiple submitters, no conflicts (2 of 4 stars). 8 submissions from 8 submitters: Benign (5); Likely benign (1). 2 of the submissions do not count toward it. Last evaluated 2026-02-01.

Conditions:
Autoinflammatory syndrome. Identifiers: Orphanet 93665, MedGen C3890737, MONDO:0019751.
Hermansky-Pudlak syndrome 2 (HPS2). Also called: Platelet defects and oculocutaneous albinism. Identifiers: Orphanet 183678, Orphanet 79430, MedGen C1842362, MONDO:0011997, OMIM 608233.

Allele frequency attached by ClinVar (database versions not stated): ExAC 0.00301; gnomAD 0.00677 and 0.00745; 1000 Genomes Project 0.00679; TOPMed 0.00716; 1000 Genomes Project 30x 0.00734; ESP Exome Variant Server 0.00793.
gnomAD v4.1: 1,929 of 1,609,122 alleles (0.12%); highest among the groups gnomAD compares: African/African-American, 2.3%; 15 homozygotes.

Submissions (8):

Labcorp Genetics (formerly Invitae), Labcorp
Classification: Benign for Hermansky-Pudlak syndrome 2. Last evaluated: 2026-02-01. Review status: criteria provided, single submitter. Criteria: Invitae Variant Classification Sherloc (09022015). Collection method: clinical testing. Allele origin: germline.

Mayo Clinic Laboratories, Mayo Clinic
Classification: Benign. Last evaluated: 2024-05-07. Review status: criteria provided, single submitter. Criteria: ACMG Guidelines, 2015. Collection method: clinical testing. Allele origin: germline. Observed: 13 variant alleles.
Comment: BS1, BS2, PM1_supporting

Genome Diagnostics Laboratory, The Hospital for Sick Children
Classification: Likely benign for Autoinflammatory syndrome. Last evaluated: 2019-12-01. Review status: criteria provided, single submitter. Criteria: ACMG Guidelines, 2015. Collection method: clinical testing. Allele origin: germline. Affected: yes.

Illumina Laboratory Services, Illumina
Classification: Benign for Hermansky-Pudlak syndrome 2. Last evaluated: 2018-01-13. Review status: criteria provided, single submitter. Criteria: ICSL Variant Classification Criteria 13 December 2019. Collection method: clinical testing. Allele origin: germline.
Comment: This variant was observed in the ICSL laboratory as part of a predisposition screen in an ostensibly healthy population. It had not been previously curated by ICSL or reported in the Human Gene Mutation Database (HGMD: prior to June 1st, 2018), and was therefore a candidate for classification through an automated scoring system. Utilizing variant allele frequency, disease prevalence and penetrance estimates, and inheritance mode, an automated score was calculated to assess if this variant is too frequent to cause the disease. Based on the score and internal cut-off values, a variant classified as benign is not then subjected to further curation. The score for this variant resulted in a classification of benign for this disease.

Laboratory for Molecular Medicine, Mass General Brigham Personalized Medicine
Classification: Benign. Last evaluated: 2013-02-21. Review status: criteria provided, single submitter. Criteria: LMM Criteria. Collection method: clinical testing. Allele origin: germline. Observed: 1 variant allele.
Comment: Ile775Lys in exon 20 of AP3B1: This variant is not expected to have clinical sig nificance because it has been identified in 2.3% (103/4400) of African American chromosomes from a broad population by the NHLBI Exome Sequencing Project (dbSNP rs62001050).

Breakthrough Genomics
Classification: Benign. Review status: criteria provided, single submitter. Criteria: ACMG Guidelines, 2015. Collection method: not provided. Allele origin: germline. Inheritance: Autosomal recessive inheritance. Affected: yes.

Clinical Genetics DNA and cytogenetics Diagnostics Lab, Erasmus MC, Erasmus Medical Center
Classification: Benign. Review status: no assertion criteria provided. Collection method: clinical testing. Allele origin: germline. Affected: yes. Study: VKGL Data-share Consensus. Not counted in ClinVar's aggregate classification.

Genome Diagnostics Laboratory, University Medical Center Utrecht
Classification: Likely benign. Review status: no assertion criteria provided. Collection method: clinical testing. Allele origin: germline. Affected: yes. Study: VKGL Data-share Consensus. Not counted in ClinVar's aggregate classification.

NM_003664.5(AP3B1):c.2324T>A (p.Ile775Lys)

Gene: AP3B1 (adaptor related protein complex 3 subunit beta 1; minus strand). Cytogenetic location: 5q14.1.
Variant type: single nucleotide variant.
Coding change: c.2324T>A on transcript NM_003664.5 (MANE Select); coding-DNA position 2324, T replaced by A.
Protein change: p.Ile775Lys; replaces isoleucine 775 with lysine.
Molecular consequence: missense variant.
Genome position (GRCh38, 1-based): chr5:78,110,280, A>T on the plus strand (T>A on the coding strand, the complement: AP3B1 is on the minus strand). VCF-style: chr5-78110280-A-T. GRCh37 (hg19) VCF-style: chr5-77406104-A-T.
Other names: c.2177T>A, p.Ile726Lys (NM_001271769.2); short protein forms I775K, I726K.
Identifiers: ClinVar variation 354230 (VCV000354230.26), dbSNP rs62001050, ClinGen allele CA3316805.